The following is an entry in ClinVar:

ClinVar aggregate classification (germline): Uncertain significance (1 of 4 stars; one submission).

Conditions:
Progressive myoclonic epilepsy. Also called: Familial progressive myoclonic epilepsy; Myoclonic Epilepsies, Progressive; Myoclonus epilepsy; Progressive myoclonus epilepsy. Identifiers: Orphanet 308, Orphanet 98261, MedGen C0751778, MONDO:0020074.

Allele frequency attached by ClinVar (database versions not stated): gnomAD exomes below 0.00001.
gnomAD v4.1: 3 of 1,188,430 alleles (0.00025%); highest among the groups gnomAD compares: Non-Finnish European, 0.00031%; no homozygotes.

Submission:

Labcorp Genetics (formerly Invitae), Labcorp
Classification: Uncertain significance for Progressive myoclonic epilepsy. Last evaluated: 2022-06-02. Review status: criteria provided, single submitter. Criteria: Invitae Variant Classification Sherloc (09022015). Collection method: clinical testing. Allele origin: germline.
Comment: This sequence change replaces arginine, which is basic and polar, with serine, which is neutral and polar, at codon 2 of the EPM2A protein (p.Arg2Ser). This variant is not present in population databases (gnomAD no frequency). This variant has not been reported in the literature in individuals affected with EPM2A-related conditions. Algorithms developed to predict the effect of missense changes on protein structure and function are either unavailable or do not agree on the potential impact of this missense change (SIFT: "Tolerated"; PolyPhen-2: "Not Available"; Align-GVGD: "Class C0"). In summary, the available evidence is currently insufficient to determine the role of this variant in disease. Therefore, it has been classified as a Variant of Uncertain Significance.

NM_005670.4(EPM2A):c.4C>A (p.Arg2Ser)

Genes: EPM2A (EPM2A glucan phosphatase, laforin; minus strand), EPM2A-DT (EPM2A divergent transcript; plus strand), LOC129997381 (ATAC-STARR-seq lymphoblastoid silent region 17642; plus strand). Cytogenetic location: 6q24.3.
Variant type: single nucleotide variant.
Coding change: c.4C>A on transcript NM_005670.4 (MANE Select); coding-DNA position 4, C replaced by A.
Protein change: p.Arg2Ser; replaces arginine 2 with serine.
Molecular consequence: missense variant. On other transcripts: 5 prime UTR variant (3), intron variant (1).
Genome position (GRCh38, 1-based): chr6:145,735,495, G>T on the plus strand (C>A on the coding strand, the complement: EPM2A is on the minus strand). VCF-style: chr6-145735495-G-T. GRCh37 (hg19) VCF-style: chr6-146056631-G-T.
Other names: c.4C>A, p.Arg2Ser (NM_001018041.2, NM_001360057.2, NM_001368130.1); c.-666C>A (NM_001360071.2); c.-620C>A (NM_001368129.2); c.-364C>A (NM_001368131.1); c.-114+413C>A (NM_001360064.2); short protein forms R2S.
Identifiers: ClinVar variation 1908597 (VCV001908597.2), dbSNP rs796052431, ClinGen allele CA366188770.